The following is an entry in ClinVar:

ClinVar aggregate classification (germline): Benign/Likely benign. Review status: criteria provided, multiple submitters, no conflicts (2 of 4 stars). 5 submissions from 5 submitters: Benign (1); Likely benign (3). 1 of the submissions does not count toward it. Last evaluated 2025-02-05.

Conditions:
TAF1-related disorder. Also called: TAF1-related condition.

Allele frequency attached by ClinVar (database versions not stated): ExAC 0.00019; gnomAD exomes 0.00024 and 0.00068; ESP Exome Variant Server 0.00038; gnomAD 0.00043 and 0.00045; TOPMed 0.00044.
gnomAD v4.1: 772 of 1,208,996 alleles (0.064%); highest among the groups gnomAD compares: Non-Finnish European, 0.083%; no homozygotes.

Submissions (5):

Labcorp Genetics (formerly Invitae), Labcorp
Classification: Benign. Last evaluated: 2025-02-05. Review status: criteria provided, single submitter. Criteria: Invitae Variant Classification Sherloc (09022015). Collection method: clinical testing. Allele origin: germline.

Blueprint Genetics
Classification: Likely benign. Last evaluated: 2024-11-19. Review status: criteria provided, single submitter. Criteria: ACMG Guidelines, 2015. Collection method: clinical testing. Allele origin: germline.

CeGaT Center for Human Genetics Tuebingen
Classification: Likely benign. Last evaluated: 2024-05-01. Review status: criteria provided, single submitter. Criteria: CeGaT Center For Human Genetics Tuebingen Variant Classification Criteria Version 2. Collection method: clinical testing. Allele origin: germline. Affected: yes. Observed: 4 variant alleles.
Comment: TAF1: BP4, BP7, BS2

Breakthrough Genomics
Classification: Likely benign. Review status: criteria provided, single submitter. Criteria: ACMG Guidelines, 2015. Collection method: not provided. Allele origin: germline. Inheritance: X-linked inheritance. Affected: yes.

PreventionGenetics, part of Exact Sciences
Classification: Likely benign for TAF1-related condition. Last evaluated: 2019-03-01. Review status: no assertion criteria provided. Collection method: clinical testing. Allele origin: germline. Not counted in ClinVar's aggregate classification.
Comment: This variant is classified as likely benign based on ACMG/AMP sequence variant interpretation guidelines (Richards et al. 2015 PMID: 25741868, with internal and published modifications).

NM_004606.5(TAF1):c.891C>T (p.Tyr297=)

Gene: TAF1 (TATA-box binding protein associated factor 1; plus strand). Cytogenetic location: Xq13.1.
Variant type: single nucleotide variant.
Coding change: c.891C>T on transcript NM_004606.5 (MANE Select); coding-DNA position 891, C replaced by T.
Protein change: p.Tyr297=; no amino-acid change (tyrosine 297 retained).
Molecular consequence: synonymous variant. On other transcripts: non-coding transcript variant (9).
Genome position (GRCh38, 1-based): chrX:71,377,779, C>T. VCF-style: chrX-71377779-C-T. GRCh37 (hg19) VCF-style: chrX-70597629-C-T.
Other names: c.951C>T (NM_001286074.1); c.891C>T, p.Tyr297= (NM_001286074.2); c.828C>T, p.Tyr276= (NM_138923.4).
Identifiers: ClinVar variation 932609 (VCV000932609.46), dbSNP rs149605307, ClinGen allele CA10446628.
Genomic context (GRCh38, chrX:71,377,779, plus strand): 5'-GGAGGTGGAGTGCTCAGTAGAATCAGAAGTCAGCCAGAAGTCTTTGTGGAACTACGACTA[C>T]GCTCCACCACCACCTCCAGAGCAGTGTCTCTCTGATGATGAAGTAGGCAAAATAGAGACC-3'
Protein context (NP_004597.3, residues 287-307): VSQKSLWNYD[Tyr297=]APPPPPEQCL